The following is an entry in ClinVar:

NM_001165963.4(SCN1A):c.3058C>G (p.His1020Asp)

Gene: SCN1A (sodium voltage-gated channel alpha subunit 1; minus strand). Cytogenetic location: 2q24.3.
Variant type: single nucleotide variant.
Coding change: c.3058C>G on transcript NM_001165963.4 (MANE Select); coding-DNA position 3058, C replaced by G.
Protein change: p.His1020Asp; replaces histidine 1020 with aspartic acid.
Molecular consequence: missense variant. On other transcripts: non-coding transcript variant (1).
Genome position (GRCh38, 1-based): chr2:166,036,419, G>C on the plus strand (C>G on the coding strand, the complement: SCN1A is on the minus strand). VCF-style: chr2-166036419-G-C. GRCh37 (hg19) VCF-style: chr2-166892929-G-C.
Other names: c.2974C>G, p.His992Asp (NM_001165964.3, NM_001353957.2, NM_001353958.2); c.3058C>G, p.His1020Asp (NM_001202435.3, NM_001353948.2); c.3025C>G, p.His1009Asp (NM_001353949.2, NM_001353950.2, NM_001353951.2 and 2 more transcripts); c.3058C>G (NM_001202435.1); c.3022C>G, p.His1008Asp (NM_001353954.2, NM_001353955.2); c.2971C>G, p.His991Asp (NM_001353960.2); c.616C>G, p.His206Asp (NM_001353961.2); short protein forms H206D, H991D, H992D, H1008D, H1009D, H1020D.
Identifiers: ClinVar variation 1983189 (VCV001983189.5), dbSNP rs1299891871, ClinGen allele CA349060197.

ClinVar aggregate classification (germline): Uncertain significance. Review status: criteria provided, multiple submitters, no conflicts (2 of 4 stars). 2 submissions from 2 submitters: Uncertain significance (2). Last evaluated 2025-11-03.

Conditions:
Early-infantile DEE. Also called: Early infantile epileptic encephalopathy with suppression bursts; Early infantile epileptic encephalopathy; Ohtahara syndrome. Identifiers: Orphanet 1934, MedGen C0393706, MONDO:0800491.

Allele frequency attached by ClinVar (database versions not stated): gnomAD 0.00001; TOPMed 0.00001.
gnomAD v4.1: 1 of 1,603,476 alleles (0.000062%); highest among the groups gnomAD compares: Non-Finnish European, 0.000085%; no homozygotes.

Submissions (2):

Athena Diagnostics
Classification: Uncertain significance. Last evaluated: 2025-11-03. Review status: criteria provided, single submitter. Criteria: Athena Diagnostics Criteria. Collection method: clinical testing. Allele origin: unknown.
Comment: Available data are insufficient to determine the clinical significance of the variant at this time. The frequency of this variant in the general population is uninformative in assessment of its pathogenicity. Polyphen and MutationTaster yielded discordant predictions regarding whether this amino acid change is damaging to the protein.

Labcorp Genetics (formerly Invitae), Labcorp
Classification: Uncertain significance for Early-infantile DEE. Last evaluated: 2024-09-06. Review status: criteria provided, single submitter. Criteria: Invitae Variant Classification Sherloc (09022015). Collection method: clinical testing. Allele origin: germline.
Comment: This sequence change replaces histidine, which is basic and polar, with aspartic acid, which is acidic and polar, at codon 1020 of the SCN1A protein (p.His1020Asp). This variant is not present in population databases (gnomAD no frequency). This variant has not been reported in the literature in individuals affected with SCN1A-related conditions. ClinVar contains an entry for this variant (Variation ID: 1983189). Invitae Evidence Modeling of protein sequence and biophysical properties (such as structural, functional, and spatial information, amino acid conservation, physicochemical variation, residue mobility, and thermodynamic stability) indicates that this missense variant is not expected to disrupt SCN1A protein function with a negative predictive value of 95%. In summary, the available evidence is currently insufficient to determine the role of this variant in disease. Therefore, it has been classified as a Variant of Uncertain Significance.